The following is an entry in ClinVar:

ClinVar aggregate classification (germline): Uncertain significance (1 of 4 stars; one submission).

Conditions:
Neural tube defects, susceptibility to. Identifiers: MedGen C3891448, MONDO:0020705, OMIM 182940.

gnomAD v4.1: 21 of 1,614,008 alleles (0.0013%); highest among the groups gnomAD compares: African/African-American, 0.004%; no homozygotes.

Submission:

Neuberg Centre For Genomic Medicine, NCGM
Classification: Uncertain significance for Neural tube defects, susceptibility to. Review status: criteria provided, single submitter. Criteria: ACMG Guidelines, 2015. Collection method: clinical testing. Allele origin: germline. Inheritance: Autosomal recessive inheritance. Affected: yes.
Comment: The missense variant c.1298C>T p.Thr433Met in VANGL2 gene has not been reported previously as a pathogenic variant nor as a benign variant, to our knowledge. The observed variant has allele frequency of 0.001% in gnomAD exomes database. This variant has not been submitted to the ClinVar database. Multiple lines of computational evidence Polyphen - probably damaging, SIFT - damaging and MutationTaster - disease causing predict a damaging effect on protein structure and function for this variant. The amino acid change p.Thr433Met in VANGL2 is predicted as conserved by GERP++ and PhyloP across 100 vertebrates. The amino acid Thr at position 433 is changed to a Met changing protein sequence and it might alter its composition and physicochemical properties. For these reasons, this variant has been classified as Uncertain Significance VUS.

NM_020335.3(VANGL2):c.1298C>T (p.Thr433Met)

Gene: VANGL2 (VANGL planar cell polarity protein 2; plus strand). Cytogenetic location: 1q23.2.
Variant type: single nucleotide variant.
Coding change: c.1298C>T on transcript NM_020335.3 (MANE Select); coding-DNA position 1298, C replaced by T.
Protein change: p.Thr433Met; replaces threonine 433 with methionine.
Molecular consequence: missense variant.
Genome position (GRCh38, 1-based): chr1:160,424,276, C>T. VCF-style: chr1-160424276-C-T. GRCh37 (hg19) VCF-style: chr1-160394066-C-T.
Other names: short protein forms T433M.
Identifiers: ClinVar variation 3391214 (VCV003391214.1).